The following is an entry in ClinVar:

ClinVar aggregate classification (germline): Uncertain significance (1 of 4 stars; one submission).

Submission:

Women's Health and Genetics/Laboratory Corporation of America, LabCorp
Classification: Uncertain significance. Last evaluated: 2026-06-11. Review status: criteria provided, single submitter. Criteria: LabCorp Variant Classification Summary - May 2015. Collection method: clinical testing. Allele origin: germline.
Comment: Variant summary: CACNB4 c.973A>C (p.Thr325Pro) results in a non-conservative amino acid change in the encoded protein sequence. Algorithms developed to predict the effect of missense changes on protein structure and function are either unavailable or do not agree on the potential impact of this missense change. The variant was absent in 248500 control chromosomes. The available data on variant occurrences in the general population are insufficient to allow any conclusion about variant significance. To our knowledge, no occurrence of c.973A>C in individuals affected with CACNB4-related conditions and no experimental evidence demonstrating its impact on protein function have been reported. No submitters have cited clinical-significance assessments for this variant to ClinVar. Based on the evidence outlined above, the variant was classified as uncertain significance.

NM_000726.5(CACNB4):c.973A>C (p.Thr325Pro)

Gene: CACNB4 (calcium voltage-gated channel auxiliary subunit beta 4; minus strand). Cytogenetic location: 2q23.3.
Variant type: single nucleotide variant.
Coding change: c.973A>C on transcript NM_000726.5 (MANE Select); coding-DNA position 973, A replaced by C.
Protein change: p.Thr325Pro; replaces threonine 325 with proline.
Molecular consequence: missense variant.
Genome position (GRCh38, 1-based): chr2:151,855,271, T>G on the plus strand (A>C on the coding strand, the complement: CACNB4 is on the minus strand). VCF-style: chr2-151855271-T-G. GRCh37 (hg19) VCF-style: chr2-152711785-T-G.
Other names: c.919A>C, p.Thr307Pro (NM_001005746.4); c.871A>C, p.Thr291Pro (NM_001005747.4); c.973A>C, p.Thr325Pro (NM_001145798.3); c.832A>C, p.Thr278Pro (NM_001320722.3, NM_001330118.2); c.730A>C, p.Thr244Pro (NM_001330113.2); c.319A>C, p.Thr107Pro (NM_001330114.2); c.682A>C, p.Thr228Pro (NM_001330115.2); c.643A>C, p.Thr215Pro (NM_001330116.2); and 1 more; short protein forms T107P, T139P, T215P, T228P, T244P, T278P, T291P, T307P.
Identifiers: ClinVar variation 4887340 (VCV004887340.1).